The following is an entry in ClinVar:

NM_000329.3(RPE65):c.16G>T (p.Glu6Ter)

Gene: RPE65 (retinoid isomerohydrolase RPE65; minus strand). Cytogenetic location: 1p31.3.
Variant type: single nucleotide variant.
Coding change: c.16G>T on transcript NM_000329.3 (MANE Select); coding-DNA position 16, G replaced by T.
Protein change: p.Glu6Ter; replaces glutamic acid 6 with a stop codon.
Molecular consequence: nonsense. On other transcripts: 5 prime UTR variant (1), intron variant (1).
Genome position (GRCh38, 1-based): chr1:68,448,702, C>A on the plus strand (G>T on the coding strand, the complement: RPE65 is on the minus strand). VCF-style: chr1-68448702-C-A. GRCh37 (hg19) VCF-style: chr1-68914385-C-A.
Other names: NM_000329.3:c.16G>T; c.16G>T, p.Glu6Ter (NM_001406853.1, NM_001406859.1, NM_001406860.1); c.-110G>T (NM_001406856.1); c.-183+1193G>T (NM_001406857.1); short protein forms E6*.
Identifiers: ClinVar variation 3233350 (VCV003233350.2), dbSNP rs1315607990, ClinGen allele CA340750344.
Genomic context (GRCh38, chr1:68,448,702, plus strand): 5'-GCGGCGAGGACAGTTCCTCCACAGTTTCAAACAGTTTCTTGTAACCACCAGCAGGATGCT[C>A]AACCCTGAAATGGTGGAAGAATAAGGAAGAAGCCCATGTTGATGCTCAAAGTCCGCAGAG-3'

ClinVar aggregate classification (germline): Pathogenic. Review status: reviewed by expert panel (3 of 4 stars). 2 submissions from 2 submitters: Pathogenic (1). 1 of the submissions does not count toward it. Last evaluated 2024-04-22.

Conditions:
RPE65-related recessive retinopathy. Also called: Recessive RPE65 retinopathy. Identifiers: MedGen CN305526, MONDO:0100368.

Submissions (2):

ClinGen Leber Congenital Amaurosis/early Onset Retinal Dystrophy Variant Curation Expert Panel, ClinGen
Classification: Pathogenic for RPE65-related recessive retinopathy. Last evaluated: 2024-04-22. Review status: reviewed by expert panel. Criteria: ClinGen LCAeoRD ACMG Specifications RPE65 V1.0.0. Collection method: curation. Allele origin: germline. Inheritance: Autosomal recessive inheritance.
Comment: NM_000329.3(RPE65):c.16G>T (p.Glu6Ter) is a frameshift variant that introduces a premature stop codon into exon 2 of 14, and is predicted to lead to nonsense-mediated decay in a gene in which loss-of-function is an established mechanism of disease (PVS1). This variant is absent from gnomAD v2.1.1 (PM2_Supporting). At least one proband harboring this variant exhibits a phenotype including diagnosis with Leber congenital amaurosis (0.5 pts, PMID: 25257057) and significant, documented improvement of retinal sensitivity by dark-adapted perimetry and microperimetry after treatment with RPE65 gene therapy (8 pts, PMID: 25938638), which together are highly specific for RPE65-related recessive retinopathy (total 8.5 pts, PP4_Moderate). This variant has been reported in at least 1 proband with early-onset severe retinal dystrophy who harbored the variant in the compound heterozygous state with the NM_000329.3(RPE65):c.499G>T (p.Asp167Tyr) variant suspected but not confirmed in trans (PMID: 25257057). However, the proband was not counted for PM3 in order to avoid circularity. In summary, this variant meets the criteria to be classified as pathogenic for RPE65-related recessive retinopathy based on the ACMG/AMP criteria applied, as specified by the ClinGen LCA / eoRD VCEP: PVS1, PM2_Supporting, and PP4_Moderate. (VCEP specifications version 1.0.0; date of approval 09/21/2023).

Myriad Genetics, Inc.
Classification: Pathogenic for RPE65-related recessive retinopathy. Last evaluated: 2024-05-14. Review status: criteria provided, single submitter. Criteria: Myriad Autosomal Dominant, Autosomal Recessive and X-Linked Classification Criteria (2023). Collection method: clinical testing. Allele origin: unknown. Not counted in ClinVar's aggregate classification.
Comment: NM_000329.2(RPE65):c.16G>T(E6*) is expected to be pathogenic in the context of inherited retinal dystrophy, RPE65-related. This variant is predicted to lead to an abnormal or absent protein product due to the creation of a premature termination codon in RPE65, a gene where loss-of-function variants are known to be pathogenic. Please note: this variant was assessed in the context of healthy population screening.